The following is an entry in ClinVar:

ClinVar aggregate classification (germline): Uncertain significance (1 of 4 stars; one submission).

Conditions:
Primary ciliary dyskinesia. Also called: Ciliary dyskinesia. Identifiers: Orphanet 244, MedGen C0008780, MONDO:0016575, HP:0012265.

Allele frequency attached by ClinVar (database versions not stated): TOPMed below 0.00001.
gnomAD v4.1: 3 of 1,614,166 alleles (0.00019%); highest among the groups gnomAD compares: African/African-American, 0.004%; no homozygotes.

Submission:

Labcorp Genetics (formerly Invitae), Labcorp
Classification: Uncertain significance for Primary ciliary dyskinesia. Last evaluated: 2022-06-02. Review status: criteria provided, single submitter. Criteria: Invitae Variant Classification Sherloc (09022015). Collection method: clinical testing. Allele origin: germline.
Comment: This sequence change replaces serine, which is neutral and polar, with phenylalanine, which is neutral and non-polar, at codon 590 of the CCDC114 protein (p.Ser590Phe). This variant is not present in population databases (gnomAD no frequency). This variant has not been reported in the literature in individuals affected with CCDC114-related conditions. Algorithms developed to predict the effect of missense changes on protein structure and function are either unavailable or do not agree on the potential impact of this missense change (SIFT: "Deleterious"; PolyPhen-2: "Probably Damaging"; Align-GVGD: "Class C0"). In summary, the available evidence is currently insufficient to determine the role of this variant in disease. Therefore, it has been classified as a Variant of Uncertain Significance.

NM_001364171.2(ODAD1):c.1880C>T (p.Ser627Phe)

Gene: ODAD1 (outer dynein arm docking complex subunit 1; minus strand). Cytogenetic location: 19q13.33.
Variant type: single nucleotide variant.
Coding change: c.1880C>T on transcript NM_001364171.2 (MANE Select); coding-DNA position 1880, C replaced by T.
Protein change: p.Ser627Phe; replaces serine 627 with phenylalanine.
Molecular consequence: missense variant.
Genome position (GRCh38, 1-based): chr19:48,297,220, G>A on the plus strand (C>T on the coding strand, the complement: ODAD1 is on the minus strand). VCF-style: chr19-48297220-G-A. GRCh37 (hg19) VCF-style: chr19-48800477-G-A.
Other names: c.1769C>T, p.Ser590Phe (NM_144577.4); short protein forms S590F, S627F.
Identifiers: ClinVar variation 2049635 (VCV002049635.1), dbSNP rs1968314530, ClinGen allele CA406651767.